The following is an entry in ClinVar:

NM_002227.4(JAK1):c.2403+3G>C

Gene: JAK1 (Janus kinase 1; minus strand). Cytogenetic location: 1p31.3.
Variant type: single nucleotide variant.
Coding change: c.2403+3G>C on transcript NM_002227.4 (MANE Select); 3 bases into the intron after coding-DNA position 2403, G replaced by C.
Molecular consequence: intron variant.
Genome position (GRCh38, 1-based): chr1:64,844,061, C>G on the plus strand (G>C on the coding strand, the complement: JAK1 is on the minus strand). VCF-style: chr1-64844061-C-G. GRCh37 (hg19) VCF-style: chr1-65309744-C-G.
Other names: c.2403+3G>C (NM_001321852.2, NM_001321854.2, NM_001321853.2 and 3 more transcripts); c.2400+3G>C (NM_001321857.2).
Identifiers: ClinVar variation 4691289 (VCV004691289.1).

ClinVar aggregate classification (germline): Uncertain significance (1 of 4 stars; one submission).

gnomAD v4.1: 22 of 1,613,926 alleles (0.0014%); highest among the groups gnomAD compares: Non-Finnish European, 0.0019%; no homozygotes.

Submission:

Labcorp Genetics (formerly Invitae), Labcorp
Classification: Uncertain significance. Last evaluated: 2025-10-29. Review status: criteria provided, single submitter. Criteria: Invitae Variant Classification Sherloc (09022015). Collection method: clinical testing. Allele origin: germline.
Comment: This sequence change falls in intron 17 of the JAK1 gene. It does not directly change the encoded amino acid sequence of the JAK1 protein. It affects a nucleotide within the consensus splice site. This variant is not present in population databases (gnomAD no frequency). This variant has not been reported in the literature in individuals affected with JAK1-related conditions. Variants that disrupt the consensus splice site are a relatively common cause of aberrant splicing (PMID: 17576681, 9536098). Algorithms developed to predict the effect of sequence changes on RNA splicing suggest that this variant is not likely to affect RNA splicing. In summary, the available evidence is currently insufficient to determine the role of this variant in disease. Therefore, it has been classified as a Variant of Uncertain Significance.

Literature cited by the submitters: PubMed 17576681; PubMed 9536098.